The following is an entry in ClinVar:

NM_001267550.2(TTN):c.56465T>C (p.Ile18822Thr)

Genes: TTN (titin; minus strand), TTN-AS1 (TTN antisense RNA 1; plus strand). Cytogenetic location: 2q31.2.
Variant type: single nucleotide variant.
Coding change: c.56465T>C on transcript NM_001267550.2 (MANE Select); coding-DNA position 56465, T replaced by C.
Protein change: p.Ile18822Thr; replaces isoleucine 18822 with threonine.
Molecular consequence: missense variant.
Genome position (GRCh38, 1-based): chr2:178,599,328, A>G on the plus strand (T>C on the coding strand, the complement: TTN is on the minus strand). VCF-style: chr2-178599328-A-G. GRCh37 (hg19) VCF-style: chr2-179464055-A-G.
Other names: c.51542T>C, p.Ile17181Thr (NM_001256850.1); c.29270T>C, p.Ile9757Thr (NM_003319.4); c.48761T>C, p.Ile16254Thr (NM_133378.4); c.29645T>C, p.Ile9882Thr (NM_133432.3); c.29846T>C, p.Ile9949Thr (NM_133437.4); short protein forms I16254T, I9757T, I18822T, I9882T, I9949T, I17181T.
Identifiers: ClinVar variation 1797752 (VCV001797752.2), dbSNP rs771542159, ClinGen allele CA1993243.

ClinVar aggregate classification (germline): Uncertain significance (1 of 4 stars; one submission).

Conditions:
Cardiovascular phenotype. Identifiers: MedGen CN230736.

Allele frequency attached by ClinVar (database versions not stated): gnomAD exomes below 0.00001; TOPMed below 0.00001; ExAC 0.00002.
gnomAD v4.1: 8 of 1,610,226 alleles (0.0005%); highest among the groups gnomAD compares: Non-Finnish European, 0.00051%; 1 homozygote.

Submission:

Ambry Genetics
Classification: Uncertain significance for Cardiovascular phenotype. Last evaluated: 2020-02-27. Review status: criteria provided, single submitter. Criteria: Ambry Variant Classification Scheme 2023. Collection method: clinical testing. Allele origin: germline.
Comment: The p.I9757T variant (also known as c.29270T>C), located in coding exon 117 of the TTN gene, results from a T to C substitution at nucleotide position 29270. The isoleucine at codon 9757 is replaced by threonine, an amino acid with similar properties. This amino acid position is well conserved in available vertebrate species. In addition, the in silico prediction for this alteration is inconclusive. Since supporting evidence is limited at this time, the clinical significance of this alteration remains unclear.